The following is an entry in ClinVar:

ClinVar aggregate classification (germline): Uncertain significance (1 of 4 stars; one submission).

Submission:

Women's Health and Genetics/Laboratory Corporation of America, LabCorp
Classification: Uncertain significance. Last evaluated: 2026-06-05. Review status: criteria provided, single submitter. Criteria: LabCorp Variant Classification Summary - May 2015. Collection method: clinical testing. Allele origin: germline.
Comment: Variant summary: TTN c.32086C>A (p.Pro10696Thr) results in a non-conservative amino acid change in the encoded protein sequence. Algorithms developed to predict the effect of missense changes on protein structure and function are either unavailable or do not agree on the potential impact of this missense change. The variant was absent in 247552 control chromosomes. The available data on variant occurrences in the general population are insufficient to allow any conclusion about variant significance. To our knowledge, no occurrence of c.32086C>A in individuals affected with TTN-related conditions and no experimental evidence demonstrating its impact on protein function have been reported. No submitters have cited clinical-significance assessments for this variant to ClinVar. Based on the evidence outlined above, the variant was classified as uncertain significance.

NM_001267550.2(TTN):c.39388C>A (p.Pro13130Thr)

Gene: TTN (titin; minus strand). Cytogenetic location: 2q31.2.
Variant type: single nucleotide variant.
Coding change: c.39388C>A on transcript NM_001267550.2 (MANE Select); coding-DNA position 39388, C replaced by A.
Protein change: p.Pro13130Thr; replaces proline 13130 with threonine.
Molecular consequence: missense variant. On other transcripts: intron variant (3).
Genome position (GRCh38, 1-based): chr2:178,651,741, G>T on the plus strand (C>A on the coding strand, the complement: TTN is on the minus strand). VCF-style: chr2-178651741-G-T. GRCh37 (hg19) VCF-style: chr2-179516468-G-T.
Other names: c.32086C>A, p.Pro10696Thr (NM_133378.4); c.13283-9424C>A (NM_003319.4); c.13859-9424C>A (NM_133437.4); c.13658-9424C>A (NM_133432.3); c.34867C>A, p.Pro11623Thr (NM_001256850.1); short protein forms P10696T, P11623T, P13130T.
Identifiers: ClinVar variation 4887470 (VCV004887470.1).
Genomic context (GRCh38, chr2:178,651,741, plus strand): 5'-GTTCAGGTTTTTTGGCAACGACAGCAGGTGCTTTCTTTTCTGGGACAGGTTTCTTAGGTG[G>T]TACGGTCACTAAAGAATTAGAAGGTATGTTTTAGAAAGAACGAAGATTGAGAAACAAGAC-3'
Protein context (NP_001254479.2, residues 13120-13140): EPAAPPQVTV[Pro13130Thr]PKKPVPEKKA